The following is an entry in ClinVar:

NM_024422.6(DSC2):c.813T>A (p.Asp271Glu)

Gene: DSC2 (desmocollin 2; minus strand). Cytogenetic location: 18q12.1.
Variant type: single nucleotide variant.
Coding change: c.813T>A on transcript NM_024422.6 (MANE Select); coding-DNA position 813, T replaced by A.
Protein change: p.Asp271Glu; replaces aspartic acid 271 with glutamic acid.
Molecular consequence: missense variant.
Genome position (GRCh38, 1-based): chr18:31,086,705, A>T on the plus strand (T>A on the coding strand, the complement: DSC2 is on the minus strand). VCF-style: chr18-31086705-A-T. GRCh37 (hg19) VCF-style: chr18-28666668-A-T.
Other names: c.813T>A (NM_024422.4); c.384T>A, p.Asp128Glu (NM_001406506.1, NM_001406507.1); c.813T>A, p.Asp271Glu (NM_004949.5); short protein forms D128E, D271E.
Identifiers: ClinVar variation 1932730 (VCV001932730.6), dbSNP rs2510951357, ClinGen allele CA402112245.

ClinVar aggregate classification (germline): Uncertain significance. Review status: criteria provided, multiple submitters, no conflicts (2 of 4 stars). 2 submissions from 2 submitters: Uncertain significance (2). Last evaluated 2022-09-02.

Conditions:
Arrhythmogenic right ventricular dysplasia 11. Also called: Arrhythmogenic Right Ventricular Dysplasia/Cardiomyopathy11; ARRHYTHMOGENIC RIGHT VENTRICULAR DYSPLASIA, FAMILIAL, 11; Arrhythmogenic right ventricular dysplasia 11 with mild palmoplantar keratoderma and woolly hair. Identifiers: MedGen C1864850, MONDO:0012506, OMIM 610476.

gnomAD v4.1: 1 of 1,614,140 alleles (0.000062%); no homozygotes.

Submissions (2):

Victorian Clinical Genetics Services, Murdoch Childrens Research Institute
Classification: Uncertain significance for Arrhythmogenic right ventricular dysplasia 11. Last evaluated: 2022-09-02. Review status: criteria provided, single submitter. Criteria: ACMG Guidelines, 2015. Collection method: clinical testing. Allele origin: germline. Inheritance: Autosomal dominant inheritance. Affected: yes.
Comment: Based on the classification scheme VCGS_Germline_v1.3.4, this variant is classified as VUS-3B. Following criteria are met: 0102 - Loss of function is a known mechanism of disease in this gene and is associated with arrhythmogenic right ventricular dysplasia 11 with or without mild palmoplantar keratoderma and woolly hair (MIM#610476). (I) 0108 - This gene is associated with both recessive and dominant disease, with no clear genotype-phenotype correlation (OMIM). (I) 0200 - Variant is predicted to result in a missense amino acid change from aspartic acid to glutamic acid. (I) 0251 - This variant is heterozygous. (I) 0301 - Variant is absent from gnomAD (both v2 and v3). (SP) 0502 - Missense variant with conflicting in silico predictions and uninformative conservation. (I) 0600 - Variant is located in the annotated cadherin repeat domain (DECIPHER). (I) 0710 - Another missense variant comparable to the one identified in this case has inconclusive previous evidence for pathogenicity. This alternative change, p.(Asp271Val), has been reported as a VUS (ClinVar). (I) 0807 - This variant has no previous evidence of pathogenicity. (I) 0905 - No published segregation evidence has been identified for this variant. (I) 1007 - No published functional evidence has been identified for this variant. (I) 1208 - Inheritance information for this variant is not currently available in this individual. (I) Legend: (SP) - Supporting pathogenic, (I) - Information, (SB) - Supporting benign

Labcorp Genetics (formerly Invitae), Labcorp
Classification: Uncertain significance for Arrhythmogenic right ventricular dysplasia 11. Last evaluated: 2022-06-12. Review status: criteria provided, single submitter. Criteria: Invitae Variant Classification Sherloc (09022015). Collection method: clinical testing. Allele origin: germline.
Comment: This variant is not present in population databases (gnomAD no frequency). In summary, the available evidence is currently insufficient to determine the role of this variant in disease. Therefore, it has been classified as a Variant of Uncertain Significance. Algorithms developed to predict the effect of missense changes on protein structure and function (SIFT, PolyPhen-2, Align-GVGD) all suggest that this variant is likely to be disruptive. This variant has not been reported in the literature in individuals affected with DSC2-related conditions. This sequence change replaces aspartic acid, which is acidic and polar, with glutamic acid, which is acidic and polar, at codon 271 of the DSC2 protein (p.Asp271Glu).